The following is an entry in ClinVar:

NM_004333.6(BRAF):c.310G>A (p.Gly104Arg)

Gene: BRAF (B-Raf proto-oncogene, serine/threonine kinase; minus strand). Cytogenetic location: 7q34.
Variant type: single nucleotide variant.
Coding change: c.310G>A on transcript NM_004333.6 (MANE Select); coding-DNA position 310, G replaced by A.
Protein change: p.Gly104Arg; replaces glycine 104 with arginine.
Molecular consequence: missense variant. On other transcripts: intron variant (1).
Genome position (GRCh38, 1-based): chr7:140,834,803, C>T on the plus strand (G>A on the coding strand, the complement: BRAF is on the minus strand). VCF-style: chr7-140834803-C-T. GRCh37 (hg19) VCF-style: chr7-140534603-C-T.
Other names: c.310G>A, p.Gly104Arg (NM_001354609.2, NM_001374244.1, NM_001374258.1 and 5 more transcripts); c.208G>A, p.Gly70Arg (NM_001378470.1); c.154G>A, p.Gly52Arg (NM_001378472.1, NM_001378473.1); c.240+15308G>A (NM_001378475.1); short protein forms G104R, G52R, G70R.
Identifiers: ClinVar variation 3764326 (VCV003764326.1).

ClinVar aggregate classification (germline): Uncertain significance (1 of 4 stars; one submission).

Submission:

GeneDx
Classification: Uncertain significance. Last evaluated: 2024-08-19. Review status: criteria provided, single submitter. Criteria: GeneDx Variant Classification Process June 2021. Collection method: clinical testing. Allele origin: germline. Affected: yes.
Comment: Not observed at significant frequency in large population cohorts (gnomAD); Missense variants in this gene are a common cause of disease and they are underrepresented in the general population; In silico analysis indicates that this missense variant does not alter protein structure/function; Has not been previously published as pathogenic or benign to our knowledge